The following is an entry in ClinVar:

ClinVar aggregate classification (germline): Uncertain significance (1 of 4 stars; one submission).

Conditions:
Tuberous sclerosis 2 (TSC2). Identifiers: Orphanet 805, MedGen C1860707, MONDO:0013199, OMIM 613254.

Submission:

Labcorp Genetics (formerly Invitae), Labcorp
Classification: Uncertain significance for Tuberous sclerosis 2. Last evaluated: 2021-02-21. Review status: criteria provided, single submitter. Criteria: Invitae Variant Classification Sherloc (09022015). Collection method: clinical testing. Allele origin: germline.
Comment: This variant has not been reported in the literature in individuals with TSC2-related conditions. This variant is not present in population databases (ExAC no frequency). This sequence change replaces arginine with tryptophan at codon 350 of the TSC2 protein (p.Arg350Trp). The arginine residue is moderately conserved and there is a moderate physicochemical difference between arginine and tryptophan. Advanced modeling of protein sequence and biophysical properties (such as structural, functional, and spatial information, amino acid conservation, physicochemical variation, residue mobility, and thermodynamic stability) performed at Invitae indicates that this missense variant is not expected to disrupt TSC2 protein function. In summary, the available evidence is currently insufficient to determine the role of this variant in disease. Therefore, it has been classified as a Variant of Uncertain Significance.

NM_000548.5(TSC2):c.1048A>T (p.Arg350Trp)

Gene: TSC2 (TSC complex subunit 2; plus strand). Cytogenetic location: 16p13.3.
Variant type: single nucleotide variant.
Coding change: c.1048A>T on transcript NM_000548.5 (MANE Select); coding-DNA position 1048, A replaced by T.
Protein change: p.Arg350Trp; replaces arginine 350 with tryptophan.
Molecular consequence: missense variant.
Genome position (GRCh38, 1-based): chr16:2,060,742, A>T. VCF-style: chr16-2060742-A-T. GRCh37 (hg19) VCF-style: chr16-2110743-A-T.
Other names: c.1048A>T, p.Arg350Trp (NM_001077183.3, NM_001114382.3, NM_001363528.2 and 3 more transcripts); c.937A>T, p.Arg313Trp (NM_001318827.2); c.901A>T, p.Arg301Trp (NM_001318829.2); c.448A>T, p.Arg150Trp (NM_001318831.2); c.1081A>T, p.Arg361Trp (NM_001318832.2); short protein forms R313W, R361W, R350W, R301W, R150W.
Identifiers: ClinVar variation 1512441 (VCV001512441.8), dbSNP rs2086530276, ClinGen allele CA394317798.